The following is an entry in ClinVar:

NM_002691.4(POLD1):c.2949_2951dup (p.Leu984_Arg985insLeu)

Gene: POLD1 (DNA polymerase delta 1, catalytic subunit; plus strand). Cytogenetic location: 19q13.33.
Variant type: Duplication.
Coding change: c.2949_2951dup on transcript NM_002691.4 (MANE Select); coding-DNA positions 2949 to 2951, 3 bases duplicated (ACT; older notation c.2949_2951dupACT).
Protein change: p.Leu984_Arg985insLeu.
Molecular consequence: non-coding transcript variant (on NR_046402.2).
Genome position (GRCh38, 1-based): chr19:50,416,524-50,416,526, ACT duplicated; duplicating any 3 consecutive bases within chr19:50,416,522-50,416,526 gives the same sequence; the c. name uses the placement nearest the transcript's 3' end. VCF-style (leftmost placement, unchanged base first): chr19-50416521-G-GCTA. GRCh37 (hg19) VCF-style: chr19-50919778-G-GCTA.
Other names: c.2949_2951dup, p.Leu984_Arg985insLeu (NM_001256849.1); c.3027_3029dup, p.Leu1010_Arg1011insLeu (NM_001308632.1).
Identifiers: ClinVar variation 3637936 (VCV003637936.2).

ClinVar aggregate classification (germline): Uncertain significance (1 of 4 stars; one submission).

Conditions:
POLD1-related polyposis and colorectal cancer syndrome (CRCS10). Also called: Colorectal cancer 10; COLORECTAL CANCER, SUSCEPTIBILITY TO, ON CHROMOSOME 19q; Colorectal cancer, susceptibility to, 10. Identifiers: Orphanet 220460, MedGen C2675481, MONDO:0012953, OMIM 612591.

Submission:

Labcorp Genetics (formerly Invitae), Labcorp
Classification: Uncertain significance for POLD1-related polyposis and colorectal cancer syndrome. Last evaluated: 2024-01-31. Review status: criteria provided, single submitter. Criteria: Invitae Variant Classification Sherloc (09022015). Collection method: clinical testing. Allele origin: germline.
Comment: This variant, c.2949_2951dup, results in the insertion of 1 amino acid(s) of the POLD1 protein (p.Leu984dup), but otherwise preserves the integrity of the reading frame. This variant is not present in population databases (gnomAD no frequency). This variant has not been reported in the literature in individuals affected with POLD1-related conditions. In summary, the available evidence is currently insufficient to determine the role of this variant in disease. Therefore, it has been classified as a Variant of Uncertain Significance.